The following is an entry in ClinVar:

NM_001126108.2(SLC12A3):c.887C>T (p.Ser296Phe)

Gene: SLC12A3 (solute carrier family 12 member 3; plus strand). Cytogenetic location: 16q13.
Variant type: single nucleotide variant.
Coding change: c.887C>T on transcript NM_001126108.2 (MANE Select); coding-DNA position 887, C replaced by T.
Protein change: p.Ser296Phe; replaces serine 296 with phenylalanine.
Molecular consequence: missense variant.
Genome position (GRCh38, 1-based): chr16:56,872,385, C>T. VCF-style: chr16-56872385-C-T. GRCh37 (hg19) VCF-style: chr16-56906297-C-T.
Other names: c.887C>T, p.Ser296Phe (NM_000339.3); c.884C>T, p.Ser295Phe (NM_001126107.2); short protein forms S295F, S296F.
Identifiers: ClinVar variation 1684158 (VCV001684158.1), dbSNP rs2144694797, ClinGen allele CA395983104.
Genomic context (GRCh38, chr16:56,872,385, plus strand): 5'-CCTCTGGGGTCCTTCGCCCCCTCCAGGCCCAGGTGCTGTTCTTCCTTGTCATCATGGTCT[C>T]CTTTGCCAACTATTTAGTGGGGACGCTGATCCCCCCATCTGAGGACAAGGCCTCCAAAGG-3'
Protein context (NP_001119580.2, residues 286-306): QVLFFLVIMV[Ser296Phe]FANYLVGTLI

ClinVar aggregate classification (germline): Uncertain significance (1 of 4 stars; one submission).

Conditions:
Familial hypokalemia-hypomagnesemia (GTLMNS). Also called: gitelman syndrome; HYPOMAGNESEMIA-HYPOKALEMIA, PRIMARY RENOTUBULAR, WITH HYPOCALCIURIA; POTASSIUM AND MAGNESIUM DEPLETION. Identifiers: Orphanet 358, MedGen C0268450, MONDO:0009904, OMIM 263800.

Allele frequency attached by ClinVar (database versions not stated): gnomAD exomes below 0.00001.
gnomAD v4.1: 1 of 1,614,030 alleles (0.000062%); highest among the groups gnomAD compares: Middle Eastern, 0.016%; no homozygotes.

Submission:

European Hospital Georges Pompidou Genetics Department, Assistance Publique - Hôpitaux de Paris AP-HP
Classification: Uncertain significance for Familial hypokalemia-hypomagnesemia. Last evaluated: 2022-04-27. Review status: criteria provided, single submitter. Criteria: ACMG Guidelines, 2015. Collection method: clinical testing. Allele origin: germline. Affected: yes.
Comment: ACMG criteria used:PM1, PM2, PP3,